The following is an entry in ClinVar:

NM_014669.5(NUP93):c.927+1G>A

Gene: NUP93 (nucleoporin 93; plus strand). Cytogenetic location: 16q13.
Variant type: single nucleotide variant.
Coding change: c.927+1G>A on transcript NM_014669.5 (MANE Select); the canonical splice donor site of the intron after coding-DNA position 927, G replaced by A.
Molecular consequence: splice donor variant.
Genome position (GRCh38, 1-based): chr16:56,829,110, G>A. VCF-style: chr16-56829110-G-A. GRCh37 (hg19) VCF-style: chr16-56863022-G-A.
Other names: c.558+1G>A (NM_001242795.2, NM_001242796.2).
Identifiers: ClinVar variation 3235149 (VCV003235149.1), dbSNP rs758865966.
Genomic context (GRCh38, chr16:56,829,110, plus strand): 5'-TACCAATTGGTTCGAAGTTTCCTGAACATTAAACTGCCAGCTCCCTTGCCTGGACTACAG[G>A]TACTGACAACTTTCTCTGTGTGATCAGTTACACCCCCAGAGCAGTTGCCCTCAGATGGGC-3'

ClinVar aggregate classification (germline): Pathogenic (1 of 4 stars; one submission).

Conditions:
Nephrotic syndrome, type 12 (NPHS12). Identifiers: Orphanet 656, MedGen C4225166, MONDO:0014817, OMIM 616892.

Allele frequency attached by ClinVar (database versions not stated): ExAC 0.00001.

Submission:

MVZ Medizinische Genetik Mainz
Classification: Pathogenic for Nephrotic syndrome, type 12. Last evaluated: 2022-09-27. Review status: criteria provided, single submitter. Criteria: UK Practice Guidelines For Variant Classification V4 01 2020. Collection method: clinical testing. Allele origin: germline. Inheritance: Autosomal recessive inheritance. Affected: yes. Observed: 1 variant allele.
Comment: ACMG Criteria: PVS1, PM2_SUP, PM3_SUP; Compound Heterozygote